The following is an entry in ClinVar:

NM_018993.4(RIN2):c.928A>C (p.Arg310=)

Gene: RIN2 (Ras and Rab interactor 2; plus strand). Cytogenetic location: 20p11.23.
Variant type: single nucleotide variant.
Coding change: c.928A>C on transcript NM_018993.4 (MANE Select); coding-DNA position 928, A replaced by C.
Protein change: p.Arg310=; no amino-acid change (arginine 310 retained).
Molecular consequence: synonymous variant.
Genome position (GRCh38, 1-based): chr20:19,974,953, A>C. VCF-style: chr20-19974953-A-C. GRCh37 (hg19) VCF-style: chr20-19955597-A-C.
Other names: c.1075A>C, p.Arg359= (NM_001242581.2); c.310A>C, p.Arg104= (NM_001378238.1).
Identifiers: ClinVar variation 695396 (VCV000695396.7), dbSNP rs1287779748, ClinGen allele CA510156873.

ClinVar aggregate classification (germline): Likely benign. Review status: criteria provided, multiple submitters, no conflicts (2 of 4 stars). 3 submissions from 3 submitters: Likely benign (2). 1 of the submissions does not count toward it. Last evaluated 2024-11-28.

Conditions:
RIN2-related disorder. Also called: RIN2-related condition.

Submissions (3):

Blueprint Genetics
Classification: Likely benign. Last evaluated: 2024-11-28. Review status: criteria provided, single submitter. Criteria: ACMG Guidelines, 2015. Collection method: clinical testing. Allele origin: germline.

Labcorp Genetics (formerly Invitae), Labcorp
Classification: Likely benign. Last evaluated: 2019-12-31. Review status: criteria provided, single submitter. Criteria: Invitae Variant Classification Sherloc (09022015). Collection method: clinical testing. Allele origin: germline.

PreventionGenetics, part of Exact Sciences
Classification: Likely benign for RIN2-related condition. Last evaluated: 2020-12-30. Review status: no assertion criteria provided. Collection method: clinical testing. Allele origin: germline. Not counted in ClinVar's aggregate classification.
Comment: This variant is classified as likely benign based on ACMG/AMP sequence variant interpretation guidelines (Richards et al. 2015 PMID: 25741868, with internal and published modifications).